The following is an entry in ClinVar:

ClinVar aggregate classification (germline): Uncertain significance (1 of 4 stars; one submission).

Allele frequency attached by ClinVar (database versions not stated): gnomAD exomes below 0.00001; ExAC 0.00001; gnomAD 0.00001; TOPMed 0.00001.

Submission:

Labcorp Genetics (formerly Invitae), Labcorp
Classification: Uncertain significance. Last evaluated: 2021-02-26. Review status: criteria provided, single submitter. Criteria: Invitae Variant Classification Sherloc (09022015). Collection method: clinical testing. Allele origin: germline.
Comment: This sequence change replaces threonine with methionine at codon 188 of the KCNK4 protein (p.Thr188Met). The threonine residue is moderately conserved and there is a moderate physicochemical difference between threonine and methionine. This variant is present in population databases (rs2232416, ExAC 0.006%). This variant has not been reported in the literature in individuals with KCNK4-related conditions. Algorithms developed to predict the effect of missense changes on protein structure and function output the following: SIFT: "Not Available"; PolyPhen-2: "Benign"; Align-GVGD: "Not Available". The methionine amino acid residue is found in multiple mammalian species, suggesting that this missense change does not adversely affect protein function. These predictions have not been confirmed by published functional studies and their clinical significance is uncertain. In summary, the available evidence is currently insufficient to determine the role of this variant in disease. Therefore, it has been classified as a Variant of Uncertain Significance.

NM_033310.3(KCNK4):c.563C>T (p.Thr188Met)

Genes: KCNK4 (potassium two pore domain channel subfamily K member 4; plus strand), KCNK4-CATSPERZ (KCNK4-CATSPERZ readthrough (NMD candidate); plus strand). Cytogenetic location: 11q13.1.
Variant type: single nucleotide variant.
Coding change: c.563C>T on transcript NM_033310.3 (MANE Select); coding-DNA position 563, C replaced by T.
Protein change: p.Thr188Met; replaces threonine 188 with methionine.
Molecular consequence: missense variant. On other transcripts: non-coding transcript variant (1).
Genome position (GRCh38, 1-based): chr11:64,297,555, C>T. VCF-style: chr11-64297555-C-T. GRCh37 (hg19) VCF-style: chr11-64065027-C-T.
Other names: c.563C>T, p.Thr188Met (NM_001317090.2); short protein forms T188M.
Identifiers: ClinVar variation 1507817 (VCV001507817.6), dbSNP rs2232416, ClinGen allele CA6073098.